The following is an entry in ClinVar:

ClinVar aggregate classification (germline): Uncertain significance (1 of 4 stars; one submission).

Submission:

Labcorp Genetics (formerly Invitae), Labcorp
Classification: Uncertain significance. Last evaluated: 2024-05-07. Review status: criteria provided, single submitter. Criteria: Invitae Variant Classification Sherloc (09022015). Collection method: clinical testing. Allele origin: germline.
Comment: This sequence change replaces histidine, which is basic and polar, with glutamine, which is neutral and polar, at codon 1240 of the KMT2B protein (p.His1240Gln). This variant is not present in population databases (gnomAD no frequency). This variant has not been reported in the literature in individuals affected with KMT2B-related conditions. Advanced modeling of protein sequence and biophysical properties (such as structural, functional, and spatial information, amino acid conservation, physicochemical variation, residue mobility, and thermodynamic stability) performed at Invitae indicates that this missense variant is not expected to disrupt KMT2B protein function with a negative predictive value of 95%. In summary, the available evidence is currently insufficient to determine the role of this variant in disease. Therefore, it has been classified as a Variant of Uncertain Significance.

NM_014727.3(KMT2B):c.3720T>G (p.His1240Gln)

Gene: KMT2B (lysine methyltransferase 2B; plus strand). Cytogenetic location: 19q13.12.
Variant type: single nucleotide variant.
Coding change: c.3720T>G on transcript NM_014727.3 (MANE Select); coding-DNA position 3720, T replaced by G.
Protein change: p.His1240Gln; replaces histidine 1240 with glutamine.
Molecular consequence: missense variant.
Genome position (GRCh38, 1-based): chr19:35,725,556, T>G. VCF-style: chr19-35725556-T-G. GRCh37 (hg19) VCF-style: chr19-36216457-T-G.
Other names: short protein forms H1240Q.
Identifiers: ClinVar variation 3700958 (VCV003700958.2).